The following is an entry in ClinVar:

ClinVar aggregate classification (germline): Uncertain significance. Review status: criteria provided, multiple submitters, no conflicts (2 of 4 stars). 5 submissions from 5 submitters: Uncertain significance (5). Last evaluated 2025-05-17.

Conditions:
Hereditary cancer-predisposing syndrome. Also called: Hereditary neoplastic syndrome; Neoplastic Syndromes, Hereditary; Tumor predisposition; Hereditary Cancer Syndrome. Identifiers: Orphanet 140162, MedGen C0027672, MeSH D009386, MONDO:0015356.
Fanconi anemia complementation group O. Also called: RAD51C-Related Fanconi Anemia. Identifiers: Orphanet 84, MedGen C3150653, MONDO:0013248, OMIM 613390.
Breast-ovarian cancer, familial, susceptibility to, 3. Also called: RAD51C-Related Breast/Ovarian Cancer. Identifiers: Orphanet 145, MedGen C3150659, MONDO:0013253, OMIM 613399.

Allele frequency attached by ClinVar (database versions not stated): gnomAD exomes below 0.00001 and 0.00001; ExAC 0.00001.
gnomAD v4.1: 2 of 1,614,250 alleles (0.00012%); highest among the groups gnomAD compares: South Asian, 0.0022%; no homozygotes.

Submissions (5):

Ambry Genetics
Classification: Uncertain significance for Hereditary cancer-predisposing syndrome. Last evaluated: 2025-05-17. Review status: criteria provided, single submitter. Criteria: Ambry Variant Classification Scheme 2023. Collection method: clinical testing. Allele origin: germline.
Comment: The p.V25M variant (also known as c.73G>A), located in coding exon 1 of the RAD51C gene, results from a G to A substitution at nucleotide position 73. The valine at codon 25 is replaced by methionine, an amino acid with highly similar properties. This amino acid position is well conserved in available vertebrate species. In addition, this alteration is predicted to be tolerated by in silico analysis. Since supporting evidence is limited at this time, the clinical significance of this alteration remains unclear.

Labcorp Genetics (formerly Invitae), Labcorp
Classification: Uncertain significance for Fanconi anemia complementation group O. Last evaluated: 2024-12-04. Review status: criteria provided, single submitter. Criteria: Invitae Variant Classification Sherloc (09022015). Collection method: clinical testing. Allele origin: germline.
Comment: This sequence change replaces valine, which is neutral and non-polar, with methionine, which is neutral and non-polar, at codon 25 of the RAD51C protein (p.Val25Met). This variant is present in population databases (rs757116652, gnomAD 0.006%). This variant has not been reported in the literature in individuals affected with RAD51C-related conditions. ClinVar contains an entry for this variant (Variation ID: 480515). Invitae Evidence Modeling of protein sequence and biophysical properties (such as structural, functional, and spatial information, amino acid conservation, physicochemical variation, residue mobility, and thermodynamic stability) indicates that this missense variant is not expected to disrupt RAD51C protein function with a negative predictive value of 80%. In summary, the available evidence is currently insufficient to determine the role of this variant in disease. Therefore, it has been classified as a Variant of Uncertain Significance.

Baylor Genetics
Classification: Uncertain significance for Breast-ovarian cancer, familial, susceptibility to, 3. Last evaluated: 2023-08-15. Review status: criteria provided, single submitter. Criteria: ACMG Guidelines, 2015. Collection method: clinical testing. Allele origin: unknown.

Color Diagnostics, LLC DBA Color Health
Classification: Uncertain significance for Hereditary cancer-predisposing syndrome. Last evaluated: 2018-10-26. Review status: criteria provided, single submitter. Criteria: ACMG Guidelines, 2015. Collection method: clinical testing. Allele origin: germline.

Women's Health and Genetics/Laboratory Corporation of America, LabCorp
Classification: Uncertain significance. Last evaluated: 2017-07-14. Review status: criteria provided, single submitter. Criteria: LabCorp Variant Classification Summary - May 2015. Collection method: clinical testing. Allele origin: germline.
Comment: Variant summary: The RAD51C c.73G>A (p.Val25Met) variant involves the alteration of a conserved nucleotide and 4/5 in silico tools predict a benign outcome. However, these predictions have yet to be functionally assessed. This variant was found in 1/121298 control chromosomes at a frequency of 0.0000082, which does not exceed the estimated maximal expected allele frequency of a pathogenic RAD51C variant (0.0000625). The variant of interest has not, to our knowledge, been reported in affected individuals via publications and/or reputable databases/clinical diagnostic laboratories; nor evaluated for functional impact by in vivo/vitro studies. Because of the absence of clinical information and the lack of functional studies, the variant is classified as a "Variant of Uncertain Significance," until additional information becomes available.

NM_058216.3(RAD51C):c.73G>A (p.Val25Met)

Gene: RAD51C (RAD51 paralog C; plus strand). Cytogenetic location: 17q22.
Variant type: single nucleotide variant.
Coding change: c.73G>A on transcript NM_058216.3 (MANE Select); coding-DNA position 73, G replaced by A.
Protein change: p.Val25Met; replaces valine 25 with methionine.
Molecular consequence: missense variant. On other transcripts: non-coding transcript variant (1).
Genome position (GRCh38, 1-based): chr17:58,692,716, G>A. VCF-style: chr17-58692716-G-A. GRCh37 (hg19) VCF-style: chr17-56770077-G-A.
Other names: c.73G>A, p.Val25Met (NM_002876.4); short protein forms V25M.
Identifiers: ClinVar variation 480515 (VCV000480515.14), dbSNP rs757116652, ClinGen allele CA8677139.
Genomic context (GRCh38, chr17:58,692,716, plus strand): 5'-ACGTTCCGCTTTGAAATGCAGCGGGATTTGGTGAGTTTCCCGCTGTCTCCAGCGGTGCGG[G>A]TGAAGCTGGTGTCTGCGGGGTTCCAGACTGCTGAGGAACTCCTAGAGGTGAAACCCTCCG-3'
Protein context (NP_478123.1, residues 15-35): VSFPLSPAVR[Val25Met]KLVSAGFQTA